The following is an entry in ClinVar:

ClinVar aggregate classification (germline): Conflicting classifications of pathogenicity. Review status: criteria provided, conflicting classifications (1 of 4 stars). 2 submissions from 2 submitters: Uncertain significance (1); Likely benign (1). Last evaluated 2025-05-28.

Conditions:
CACNA1F-related disorder. Also called: CACNA1F-related condition.

gnomAD v4.1: 13 of 1,188,637 alleles (0.0011%); highest among the groups gnomAD compares: African/African-American, 0.007%; no homozygotes.

Submissions (2):

PreventionGenetics, part of Exact Sciences
Classification: Likely benign for CACNA1F-related condition. Last evaluated: 2025-05-28. Review status: criteria provided, single submitter. Criteria: ACMG Guidelines, 2015. Collection method: clinical testing. Allele origin: germline.
Comment: This variant is classified as likely benign based on ACMG/AMP sequence variant interpretation guidelines (Richards et al. 2015 PMID: 25741868, with internal and published modifications).

Labcorp Genetics (formerly Invitae), Labcorp
Classification: Uncertain significance. Last evaluated: 2024-10-02. Review status: criteria provided, single submitter. Criteria: Invitae Variant Classification Sherloc (09022015). Collection method: clinical testing. Allele origin: germline.
Comment: This sequence change affects codon 475 of the CACNA1F mRNA. It is a 'silent' change, meaning that it does not change the encoded amino acid sequence of the CACNA1F protein. The frequency data for this variant in the population databases is considered unreliable, as metrics indicate poor data quality at this position in the gnomAD database. This variant has not been reported in the literature in individuals affected with CACNA1F-related conditions. Algorithms developed to predict the effect of sequence changes on RNA splicing suggest that this variant may disrupt the consensus splice site. In summary, the available evidence is currently insufficient to determine the role of this variant in disease. Therefore, it has been classified as a Variant of Uncertain Significance.

NM_001256789.3(CACNA1F):c.1392C>T (p.Thr464=)

Gene: CACNA1F (calcium voltage-gated channel subunit alpha1 F; minus strand). Cytogenetic location: Xp11.23.
Variant type: single nucleotide variant.
Coding change: c.1392C>T on transcript NM_001256789.3 (MANE Select); coding-DNA position 1392, C replaced by T.
Protein change: p.Thr464=; no amino-acid change (threonine 464 retained).
Molecular consequence: synonymous variant.
Genome position (GRCh38, 1-based): chrX:49,226,480, G>A on the plus strand (C>T on the coding strand, the complement: CACNA1F is on the minus strand). VCF-style: chrX-49226480-G-A. GRCh37 (hg19) VCF-style: chrX-49082942-G-A.
Other names: c.1230C>T, p.Thr410= (NM_001256790.3); c.1425C>T, p.Thr475= (NM_005183.4); c.1425C>T (NM_005183.3).
Identifiers: ClinVar variation 3609890 (VCV003609890.3).
Genomic context (GRCh38, chrX:49,226,480, plus strand): 5'-ACAGCTGGCCAGAGCCCCCTCCTCCTCATCCTCATCGCCTTGGGTCTCTGTCATGGAACC[G>A]GTGTCACTGGCTGGGAGGCTGGCTGTAGGCAAGGTGGGGATAGTGGTCAGGACCTGAAGA-3'
Protein context (NP_001243718.1, residues 454-474): SSHASLPASD[Thr464=]GSMTETQGDE